The following is an entry in ClinVar:

NM_001127178.3(PIGG):c.2204G>A (p.Arg735Gln)

Gene: PIGG (phosphatidylinositol glycan anchor biosynthesis class G (EMM blood group); plus strand). Cytogenetic location: 4p16.3.
Variant type: single nucleotide variant.
Coding change: c.2204G>A on transcript NM_001127178.3 (MANE Select); coding-DNA position 2204, G replaced by A.
Protein change: p.Arg735Gln; replaces arginine 735 with glutamine.
Molecular consequence: missense variant. On other transcripts: non-coding transcript variant (10).
Genome position (GRCh38, 1-based): chr4:527,173, G>A. VCF-style: chr4-527173-G-A. GRCh37 (hg19) VCF-style: chr4-520962-G-A.
Other names: p.Arg735Gln; c.1937G>A, p.Arg646Gln (NM_001289051.2, NM_001345986.2); c.1805G>A, p.Arg602Gln (NM_001289052.2); c.1913G>A, p.Arg638Gln (NM_001345987.2); c.1175G>A, p.Arg392Gln (NM_001345988.2); c.671G>A, p.Arg224Gln (NM_001345990.2, NM_001345991.2); c.1106G>A, p.Arg369Gln (NM_001345994.2); c.2180G>A, p.Arg727Gln (NM_017733.5); and 1 more; short protein forms R735Q, R369Q, R602Q, R638Q, R646Q, R727Q, R224Q, R392Q.
Identifiers: ClinVar variation 476334 (VCV000476334.40), dbSNP rs138345843, ClinGen allele CA2793567.

ClinVar aggregate classification (germline): Likely benign. Review status: criteria provided, multiple submitters, no conflicts (2 of 4 stars). 6 submissions from 6 submitters: Likely benign (5). 1 of the submissions does not count toward it. Last evaluated 2026-02-03.

Conditions:
Inborn genetic diseases. Identifiers: MedGen C0950123, MeSH D030342.
Intellectual disability, autosomal recessive 53 (NEDHSCA). Also called: GLYCOSYLPHOSPHATIDYLINOSITOL BIOSYNTHESIS DEFECT 13; Mental retardation, autosomal recessive 53; NEURODEVELOPMENTAL DISORDER WITH OR WITHOUT HYPOTONIA, SEIZURES, AND CEREBELLAR ATROPHY. Identifiers: Orphanet 488635, MedGen C4310794, MONDO:0014832, OMIM 616917.
BLOOD GROUP, EMM SYSTEM (EMM). Identifiers: MedGen C5676953, OMIM 619812.
PIGG-related disorder. Also called: PIGG-related condition.

Allele frequency attached by ClinVar (database versions not stated): gnomAD exomes 0.00059; ExAC 0.00073; 1000 Genomes Project 0.00160; 1000 Genomes Project 30x 0.00172; gnomAD 0.00265 and 0.00287; TOPMed 0.00302; ESP Exome Variant Server 0.00346.

Submissions (6):

Labcorp Genetics (formerly Invitae), Labcorp
Classification: Likely benign for Intellectual disability, autosomal recessive 53. Last evaluated: 2026-02-03. Review status: criteria provided, single submitter. Criteria: Invitae Variant Classification Sherloc (09022015). Collection method: clinical testing. Allele origin: germline.

Mayo Clinic Laboratories, Mayo Clinic
Classification: Likely benign. Last evaluated: 2025-07-08. Review status: criteria provided, single submitter. Criteria: ACMG Guidelines, 2015. Collection method: clinical testing. Allele origin: germline. Observed: 1 variant allele.
Comment: BS1

CeGaT Center for Human Genetics Tuebingen
Classification: Likely benign. Last evaluated: 2023-05-01. Review status: criteria provided, single submitter. Criteria: CeGaT Center For Human Genetics Tuebingen Variant Classification Criteria Version 2. Collection method: clinical testing. Allele origin: germline. Affected: yes. Observed: 3 variant alleles.
Comment: PIGG: BP4, BS2

Ambry Genetics
Classification: Likely benign for Inborn genetic diseases. Last evaluated: 2022-06-24. Review status: criteria provided, single submitter. Criteria: Ambry Variant Classification Scheme 2023. Collection method: clinical testing. Allele origin: germline.

Fulgent Genetics
Classification: Likely benign for Intellectual disability, autosomal recessive 53; BLOOD GROUP, EMM SYSTEM. Last evaluated: 2021-10-18. Review status: criteria provided, single submitter. Criteria: ACMG Guidelines, 2015. Collection method: clinical testing. Allele origin: unknown.

PreventionGenetics, part of Exact Sciences
Classification: Benign for PIGG-related condition. Last evaluated: 2023-11-30. Review status: no assertion criteria provided. Collection method: clinical testing. Allele origin: germline. Not counted in ClinVar's aggregate classification.
Comment: This variant is classified as benign based on ACMG/AMP sequence variant interpretation guidelines (Richards et al. 2015 PMID: 25741868, with internal and published modifications).